The following is an entry in ClinVar:

ClinVar aggregate classification (germline): Uncertain significance (1 of 4 stars; one submission).

gnomAD v4.1: 1 of 1,613,756 alleles (0.000062%); highest among the groups gnomAD compares: South Asian, 0.0011%; no homozygotes.

Submission:

Labcorp Genetics (formerly Invitae), Labcorp
Classification: Uncertain significance. Last evaluated: 2022-09-08. Review status: criteria provided, single submitter. Criteria: Invitae Variant Classification Sherloc (09022015). Collection method: clinical testing. Allele origin: germline.
Comment: This sequence change replaces arginine, which is basic and polar, with proline, which is neutral and non-polar, at codon 351 of the GDF5 protein (p.Arg351Pro). This variant is present in population databases (rs781264883, gnomAD 0.003%). This variant has not been reported in the literature in individuals affected with GDF5-related conditions. ClinVar contains an entry for this variant (Variation ID: 1500712). Algorithms developed to predict the effect of missense changes on protein structure and function are either unavailable or do not agree on the potential impact of this missense change (SIFT: "Tolerated"; PolyPhen-2: "Possibly Damaging"; Align-GVGD: "Class C0"). In summary, the available evidence is currently insufficient to determine the role of this variant in disease. Therefore, it has been classified as a Variant of Uncertain Significance.

NM_000557.5(GDF5):c.1052G>C (p.Arg351Pro)

Genes: GDF5 (growth differentiation factor 5; minus strand), GDF5-AS1 (GDF5 antisense RNA 1; plus strand). Cytogenetic location: 20q11.22.
Variant type: single nucleotide variant.
Coding change: c.1052G>C on transcript NM_000557.5 (MANE Select); coding-DNA position 1052, G replaced by C.
Protein change: p.Arg351Pro; replaces arginine 351 with proline.
Molecular consequence: missense variant. On other transcripts: non-coding transcript variant (1).
Genome position (GRCh38, 1-based): chr20:35,434,363, C>G on the plus strand (G>C on the coding strand, the complement: GDF5 is on the minus strand). VCF-style: chr20-35434363-C-G. GRCh37 (hg19) VCF-style: chr20-34022161-C-G.
Other names: c.1052G>C, p.Arg351Pro (NM_001319138.2); short protein forms R351P.
Identifiers: ClinVar variation 1500712 (VCV001500712.5), dbSNP rs781264883, ClinGen allele CA9832176.